The following is an entry in ClinVar:

NM_000890.5(KCNJ5):c.*34G>T

Gene: KCNJ5 (potassium inwardly rectifying channel subfamily J member 5; plus strand). Cytogenetic location: 11q24.3.
Variant type: single nucleotide variant.
Coding change: c.*34G>T on transcript NM_000890.5 (MANE Select); 34 bases downstream of the stop codon, G replaced by T.
Molecular consequence: 3 prime UTR variant.
Genome position (GRCh38, 1-based): chr11:128,916,765, G>T. VCF-style: chr11-128916765-G-T. GRCh37 (hg19) VCF-style: chr11-128786660-G-T.
Other names: c.*34G>T (LRG_333t1, NM_001354169.2).
Identifiers: ClinVar variation 303634 (VCV000303634.9), dbSNP rs116494206, ClinGen allele CA6358029.
Genomic context (GRCh38, chr11:128,916,765, plus strand): 5'-TCCAGGGAGGCCAGGGGCTCGGTGTGAGGGGTGCAGCCTCCCTAAGACCTCCTGTCACTG[G>T]CTTCAGTGAACACAGACACTGCAGAGCCTGGGAGCAGGGGAGGGGAATAGTTGAGTGTGC-3'

ClinVar aggregate classification (germline): Benign/Likely benign. Review status: criteria provided, multiple submitters, no conflicts (2 of 4 stars). 3 submissions from 3 submitters: Benign (1); Likely benign (2). Last evaluated 2018-06-26.

Conditions:
Familial hyperaldosteronism type III. Also called: FH III; Familial hyperaldosteronism type 3. Identifiers: Orphanet 251274, MedGen C3838758, MONDO:0013359, OMIM 613677.

Allele frequency attached by ClinVar (database versions not stated): 1000 Genomes Project 30x 0.01280; ESP Exome Variant Server 0.00920; gnomAD 0.01052; 1000 Genomes Project 0.01278; TOPMed 0.01099.
gnomAD v4.1: 2,783 of 1,481,044 alleles (0.19%); highest among the groups gnomAD compares: African/African-American, 3.4%; 42 homozygotes.

Submissions (3):

GeneDx
Classification: Likely benign. Last evaluated: 2018-06-26. Review status: criteria provided, single submitter. Criteria: GeneDx Variant Classification Process June 2021. Collection method: clinical testing. Allele origin: germline. Affected: yes.

Illumina Laboratory Services, Illumina
Classification: Benign for Familial hyperaldosteronism type III. Last evaluated: 2018-01-12. Review status: criteria provided, single submitter. Criteria: ICSL Variant Classification Criteria 13 December 2019. Collection method: clinical testing. Allele origin: germline.
Comment: This variant was observed in the ICSL laboratory as part of a predisposition screen in an ostensibly healthy population. It had not been previously curated by ICSL or reported in the Human Gene Mutation Database (HGMD: prior to June 1st, 2018), and was therefore a candidate for classification through an automated scoring system. Utilizing variant allele frequency, disease prevalence and penetrance estimates, and inheritance mode, an automated score was calculated to assess if this variant is too frequent to cause the disease. Based on the score and internal cut-off values, a variant classified as benign is not then subjected to further curation. The score for this variant resulted in a classification of benign for this disease.

Breakthrough Genomics
Classification: Likely benign. Review status: criteria provided, single submitter. Criteria: ACMG Guidelines, 2015. Collection method: not provided. Allele origin: germline. Inheritance: Autosomal dominant inheritance. Affected: yes.